The following is an entry in ClinVar:

ClinVar aggregate classification (germline): Likely pathogenic (1 of 4 stars; one submission).

Conditions:
Nemaline myopathy 2 (NEM2). Also called: Nemaline myopathy 2, autosomal recessive. Identifiers: MedGen C1850569, MONDO:0009725, OMIM 256030.

Submission:

Labcorp Genetics (formerly Invitae), Labcorp
Classification: Likely pathogenic for Nemaline myopathy 2. Last evaluated: 2023-06-05. Review status: criteria provided, single submitter. Criteria: Invitae Variant Classification Sherloc (09022015). Collection method: clinical testing. Allele origin: germline.
Comment: In summary, the currently available evidence indicates that the variant is pathogenic, but additional data are needed to prove that conclusively. Therefore, this variant has been classified as Likely Pathogenic. Algorithms developed to predict the effect of sequence changes on RNA splicing suggest that this variant may disrupt the consensus splice site. Disruption of this splice site has been observed in individual(s) with nemaline myopathy (PMID: 24725366). This variant is not present in population databases (gnomAD no frequency). This sequence change affects a donor splice site in intron 17 of the NEB gene. It is expected to disrupt RNA splicing. Variants that disrupt the donor or acceptor splice site typically lead to a loss of protein function (PMID: 16199547), and loss-of-function variants in NEB are known to be pathogenic (PMID: 25205138).

Literature cited by the submitters: PubMed 24725366; PubMed 16199547; PubMed 25205138.

NM_001164508.2(NEB):c.1569+1G>C

Gene: NEB (nebulin; minus strand). Cytogenetic location: 2q23.3.
Variant type: single nucleotide variant.
Coding change: c.1569+1G>C on transcript NM_001164508.2 (MANE Select); the canonical splice donor site of the intron after coding-DNA position 1569, G replaced by C.
Molecular consequence: splice donor variant.
Genome position (GRCh38, 1-based): chr2:151,696,636, C>G on the plus strand (G>C on the coding strand, the complement: NEB is on the minus strand). VCF-style: chr2-151696636-C-G. GRCh37 (hg19) VCF-style: chr2-152553150-C-G.
Other names: c.1569+1G>C (NM_004543.5, NM_001164507.2, NM_001271208.2).
Identifiers: ClinVar variation 2712870 (VCV002712870.3), dbSNP rs1553605553, ClinGen allele CA348825060.